The following is an entry in ClinVar:

ClinVar aggregate classification (germline): Pathogenic (1 of 4 stars; one submission).

Submission:

Labcorp Genetics (formerly Invitae), Labcorp
Classification: Pathogenic. Last evaluated: 2024-06-24. Review status: criteria provided, single submitter. Criteria: Invitae Variant Classification Sherloc (09022015). Collection method: clinical testing. Allele origin: germline.
Comment: This sequence change creates a premature translational stop signal (p.Gly397Alafs*35) in the NFKB1 gene. It is expected to result in an absent or disrupted protein product. Loss-of-function variants in NFKB1 are known to be pathogenic (PMID: 26279205, 29477724). This variant is not present in population databases (gnomAD no frequency). This variant has not been reported in the literature in individuals affected with NFKB1-related conditions. ClinVar contains an entry for this variant (Variation ID: 1352196). For these reasons, this variant has been classified as Pathogenic.

Literature cited by the submitters: PubMed 26279205; PubMed 29477724.

NM_003998.4(NFKB1):c.1190del (p.Gly397fs)

Gene: NFKB1 (nuclear factor kappa B subunit 1; plus strand). Cytogenetic location: 4q24.
Variant type: Deletion.
Coding change: c.1190del on transcript NM_003998.4 (MANE Select); coding-DNA position 1190, one base deleted (G; older notation c.1190delG).
Protein change: p.Gly397fs; shifts the reading frame from glycine 397.
Molecular consequence: frameshift variant.
Genome position (GRCh38, 1-based): chr4:102,593,548, G deleted; the last of 5 consecutive G bases (chr4:102,593,544-102,593,548); deleting any one gives the same sequence. VCF-style (leftmost placement, unchanged base first): chr4-102593543-AG-A. GRCh37 (hg19) VCF-style: chr4-103514700-AG-A.
Other names: c.1187del, p.Gly396fs (NM_001165412.2, NM_001319226.2, NM_001382627.1); c.1190del, p.Gly397fs (NM_001382625.1, NM_001382626.1); c.1148del, p.Gly383fs (NM_001382628.1); short protein forms G397fs, G383fs, G396fs.
Identifiers: ClinVar variation 1352196 (VCV001352196.6), dbSNP rs2149203505, ClinGen allele CA2573137756.